The following is an entry in ClinVar:

NM_005210.4(CRYGB):c.435T>G (p.Tyr145Ter)

Genes: CRYGB (crystallin gamma B; minus strand), LOC100507443 (uncharacterized LOC100507443; plus strand). Cytogenetic location: 2q33.3.
Variant type: single nucleotide variant.
Coding change: c.435T>G on transcript NM_005210.4 (MANE Select); coding-DNA position 435, T replaced by G.
Protein change: p.Tyr145Ter; replaces tyrosine 145 with a stop codon.
Molecular consequence: nonsense.
Genome position (GRCh38, 1-based): chr2:208,142,731, A>C on the plus strand (T>G on the coding strand, the complement: CRYGB is on the minus strand). VCF-style: chr2-208142731-A-C. GRCh37 (hg19) VCF-style: chr2-209007455-A-C.
Other names: short protein forms Y145*.
Identifiers: ClinVar variation 4699926 (VCV004699926.1).

ClinVar aggregate classification (germline): Uncertain significance (1 of 4 stars; one submission).

Conditions:
Cataract 39 multiple types. Also called: Cataract 39, multiple types, autosomal dominant. Identifiers: Orphanet 91492, MedGen C3808800, MONDO:0014075, OMIM 615188.

gnomAD v4.1: 6 of 1,614,140 alleles (0.00037%); highest among the groups gnomAD compares: Non-Finnish European, 0.00051%; no homozygotes.

Submission:

Labcorp Genetics (formerly Invitae), Labcorp
Classification: Uncertain significance for Cataract 39 multiple types. Last evaluated: 2025-05-14. Review status: criteria provided, single submitter. Criteria: Invitae Variant Classification Sherloc (09022015). Collection method: clinical testing. Allele origin: germline.
Comment: This sequence change creates a premature translational stop signal (p.Tyr145*) in the CRYGB gene. While this is not anticipated to result in nonsense mediated decay, it is expected to disrupt the last 31 amino acid(s) of the CRYGB protein. This variant is present in population databases (rs779265773, gnomAD 0.0009%). This variant has not been reported in the literature in individuals affected with CRYGB-related conditions. Experimental studies and prediction algorithms are not available or were not evaluated, and the functional significance of this variant is currently unknown. In summary, the available evidence is currently insufficient to determine the role of this variant in disease. Therefore, it has been classified as a Variant of Uncertain Significance.